The following is an entry in ClinVar:

ClinVar aggregate classification (germline): Uncertain significance (1 of 4 stars; one submission).

Conditions:
Malignant hyperthermia, susceptibility to, 1 (MHS1). Also called: Anesthesia related hyperthermia; Malignant hyperpyrexia; Fulminating hyperpyrexia; Pharmacogenic myopathy; RYR1-Related Malignant Hyperthermia Susceptibility; Malignant hyperthermia suceptibility 1. Identifiers: Orphanet 423, MedGen C2930980, MONDO:0007783, OMIM 145600.

Submission:

All of Us Research Program, National Institutes of Health
Classification: Uncertain significance for Malignant hyperthermia, susceptibility to, 1. Last evaluated: 2023-08-15. Review status: criteria provided, single submitter. Criteria: ACMG Guidelines, 2015. Collection method: clinical testing. Allele origin: germline. Inheritance: Autosomal dominant inheritance. Observed: 1 variant allele, 1 heterozygote.
Comment: This missense variant replaces arginine with leucine at codon 3570 of the RYR1 protein. Computational prediction suggests that this variant may have deleterious impact on protein structure and function (internally defined REVEL score threshold >= 0.7, PMID: 27666373). To our knowledge, functional studies have not been reported for this variant. This variant has not been reported in individuals affected with RYR1-related disorders in the literature. This variant has not been identified in the general population by the Genome Aggregation Database (gnomAD). The available evidence is insufficient to determine the role of this variant in disease conclusively. Therefore, this variant is classified as a Variant of Uncertain Significance.

This study involves interpretation of variants in research participants for the purpose of population health screening. Participant phenotype was not available at the time of variant classification. Additional details can be found in publication PMID: 35346344, PMCID: PMC8962531

NM_000540.3(RYR1):c.10709G>T (p.Arg3570Leu)

Gene: RYR1 (ryanodine receptor 1; plus strand). Cytogenetic location: 19q13.2.
Variant type: single nucleotide variant.
Coding change: c.10709G>T on transcript NM_000540.3 (MANE Select); coding-DNA position 10709, G replaced by T.
Protein change: p.Arg3570Leu; replaces arginine 3570 with leucine.
Molecular consequence: missense variant.
Genome position (GRCh38, 1-based): chr19:38,527,669, G>T. VCF-style: chr19-38527669-G-T. GRCh37 (hg19) VCF-style: chr19-39018309-G-T.
Other names: c.10694G>T, p.Arg3565Leu (NM_001042723.2); short protein forms R3565L, R3570L.
Identifiers: ClinVar variation 3072785 (VCV003072785.1), dbSNP rs760433572, ClinGen allele CA405646562.